The following is an entry in ClinVar:

NM_004006.3(DMD):c.4845+10A>G

Gene: DMD (dystrophin; minus strand). Cytogenetic location: Xp21.1.
Variant type: single nucleotide variant.
Coding change: c.4845+10A>G on transcript NM_004006.3 (MANE Select); 10 bases into the intron after coding-DNA position 4845, A replaced by G.
Molecular consequence: intron variant.
Genome position (GRCh38, 1-based): chrX:32,380,500, T>C on the plus strand (A>G on the coding strand, the complement: DMD is on the minus strand). VCF-style: chrX-32380500-T-C. GRCh37 (hg19) VCF-style: chrX-32398617-T-C.
Other names: c.4821+10A>G (NM_000109.4); c.822+10A>G (NM_004011.4); c.813+10A>G (NM_004012.4); c.4833+10A>G (NM_004009.3); c.4476+10A>G (NM_004010.3).
Identifiers: ClinVar variation 239605 (VCV000239605.14), dbSNP rs199958675, ClinGen allele CA10378857.

ClinVar aggregate classification (germline): Benign. Review status: criteria provided, multiple submitters, no conflicts (2 of 4 stars). 3 submissions from 3 submitters: Benign (2). 1 of the submissions does not count toward it. Last evaluated 2026-01-13.

Conditions:
Cardiomyopathy (CMYO). Also called: Cardiomyopathies. Identifiers: Orphanet 167848, MedGen C0878544, MONDO:0004994, HP:0001638. Inheritance: Various modes of inheritance.
Becker muscular dystrophy (BMD). Also called: MUSCULAR DYSTROPHY, PSEUDOHYPERTROPHIC PROGRESSIVE, BECKER TYPE; Becker Muscular Dystrophy (BMD). Identifiers: Orphanet 98895, MedGen C0917713, MONDO:0010311, OMIM 300376.
Duchenne muscular dystrophy (DMD). Also called: Duchenne Muscular Dystrophy (DMD); MUSCULAR DYSTROPHY, PSEUDOHYPERTROPHIC PROGRESSIVE, DUCHENNE TYPE. Identifiers: Orphanet 98896, MedGen C0013264, MONDO:0010679, OMIM 310200.
Dystrophin deficiency.

Allele frequency attached by ClinVar (database versions not stated): gnomAD exomes 0.00003 and 0.00020; TOPMed 0.00003; gnomAD 0.00004 and 0.00006; ExAC 0.00015; 1000 Genomes Project 0.00079; 1000 Genomes Project 30x 0.00083.
gnomAD v4.1: 37 of 1,205,473 alleles (0.0031%); highest among the groups gnomAD compares: East Asian, 0.074%; no homozygotes.

Submissions (3):

Labcorp Genetics (formerly Invitae), Labcorp
Classification: Benign for Duchenne muscular dystrophy. Last evaluated: 2026-01-13. Review status: criteria provided, single submitter. Criteria: Invitae Variant Classification Sherloc (09022015). Collection method: clinical testing. Allele origin: germline.

Women's Health and Genetics/Laboratory Corporation of America, LabCorp
Classification: Benign. Last evaluated: 2020-07-09. Review status: criteria provided, single submitter. Criteria: LabCorp Variant Classification Summary - May 2015. Collection method: clinical testing. Allele origin: germline.
Comment: Variant summary: DMD c.4845+10A>G alters a non-conserved nucleotide located close to a canonical splice site and therefore could affect mRNA splicing, leading to a significantly altered protein sequence. 4/4 computational tools predict no significant impact on normal splicing. However, these predictions have yet to be confirmed by functional studies. The variant allele was found at a frequency of 0.0002 in 182166 control chromosomes, predominantly at a frequency of 0.0022 within the East Asian subpopulation in the gnomAD database. The observed variant frequency within East Asian control individuals in the gnomAD database is approximately 200 fold of the estimated maximal expected allele frequency for a pathogenic variant in DMD causing Dystrophinopathies phenotype (1.1e-05), strongly suggesting that the variant is a benign polymorphism found primarily in populations of East Asian origin. To our knowledge, no occurrence of c.4845+10A>G in individuals affected with Dystrophinopathies and no experimental evidence demonstrating its impact on protein function have been reported. One ClinVar submitter (evaluation after 2014) cites the variant as benign. Based on the evidence outlined above, the variant was classified as benign.

Natera, Inc.
Classification: Likely benign for Becker muscular dystrophy; Cardiomyopathy; Duchenne muscular dystrophy; Dystrophin deficiency. Last evaluated: 2017-11-14. Review status: no assertion criteria provided. Collection method: clinical testing. Allele origin: germline. Not counted in ClinVar's aggregate classification.